The following is an entry in ClinVar:

ClinVar aggregate classification (germline): Uncertain significance (1 of 4 stars; one submission).

Conditions:
Dilated cardiomyopathy 1HH (CMD1HH). Identifiers: Orphanet 154, MedGen C3151293, MONDO:0013479, OMIM 613881.
Myofibrillar myopathy 6. Identifiers: Orphanet 199340, MedGen C2751831, MONDO:0013061, OMIM 612954.

Allele frequency attached by ClinVar (database versions not stated): TOPMed below 0.00001; ExAC 0.00001; gnomAD 0.00001.
gnomAD v4.1: 5 of 1,590,960 alleles (0.00031%); highest among the groups gnomAD compares: Middle Eastern, 0.017%; no homozygotes.

Submission:

Labcorp Genetics (formerly Invitae), Labcorp
Classification: Uncertain significance for Dilated cardiomyopathy 1HH; Myofibrillar myopathy 6. Last evaluated: 2025-12-09. Review status: criteria provided, single submitter. Criteria: Invitae Variant Classification Sherloc (09022015). Collection method: clinical testing. Allele origin: germline.
Comment: This sequence change replaces aspartic acid, which is acidic and polar, with asparagine, which is neutral and polar, at codon 51 of the BAG3 protein (p.Asp51Asn). The frequency data for this variant in the population databases is considered unreliable, as metrics indicate poor data quality at this position in the gnomAD database. This variant has not been reported in the literature in individuals affected with BAG3-related conditions. ClinVar contains an entry for this variant (Variation ID: 2177045). An algorithm developed to predict the effect of missense changes on protein structure and function (PolyPhen-2) suggests that this variant is likely to be disruptive. In summary, the available evidence is currently insufficient to determine the role of this variant in disease. Therefore, it has been classified as a Variant of Uncertain Significance.

NM_004281.4(BAG3):c.151G>A (p.Asp51Asn)

Gene: BAG3 (BAG cochaperone 3; plus strand). Cytogenetic location: 10q26.11.
Variant type: single nucleotide variant.
Coding change: c.151G>A on transcript NM_004281.4 (MANE Select); coding-DNA position 151, G replaced by A.
Protein change: p.Asp51Asn; replaces aspartic acid 51 with asparagine.
Molecular consequence: missense variant.
Genome position (GRCh38, 1-based): chr10:119,651,826, G>A. VCF-style: chr10-119651826-G-A. GRCh37 (hg19) VCF-style: chr10-121411338-G-A.
Other names: short protein forms D51N.
Identifiers: ClinVar variation 2177045 (VCV002177045.4), dbSNP rs746527768, ClinGen allele CA5716228.
Genomic context (GRCh38, chr10:119,651,826, plus strand): 5'-GACCCGCAGACCGGCTGGCCCTTCTTCGTGGACCACAACAGCCGCACCACTACGTGGAAC[G>A]ACCCGCGCGTGCCCTCTGAGGGCCCCAAGGTGAGCCGGGCCCGCGGCCCGCCCTGGTCGG-3'
Protein context (NP_004272.2, residues 41-61): DHNSRTTTWN[Asp51Asn]PRVPSEGPKE